The following is an entry in ClinVar:

NM_000426.4(LAMA2):c.2323-1G>T

Gene: LAMA2 (laminin subunit alpha 2; plus strand). Cytogenetic location: 6q22.33.
Variant type: single nucleotide variant.
Coding change: c.2323-1G>T on transcript NM_000426.4 (MANE Select); the canonical splice acceptor site of the intron before coding-DNA position 2323, G replaced by T.
Molecular consequence: splice acceptor variant.
Genome position (GRCh38, 1-based): chr6:129,270,623, G>T. VCF-style: chr6-129270623-G-T. GRCh37 (hg19) VCF-style: chr6-129591768-G-T.
Other names: c.2323-1G>T (NM_001079823.2).
Identifiers: ClinVar variation 951228 (VCV000951228.9), dbSNP rs1278823424, ClinGen allele CA365608975.

ClinVar aggregate classification (germline): Likely pathogenic. Review status: criteria provided, multiple submitters, no conflicts (2 of 4 stars). 2 submissions from 2 submitters: Likely pathogenic (2). Last evaluated 2023-05-17.

Conditions:
Merosin deficient congenital muscular dystrophy (MDC1A). Also called: Congenital merosin-deficient muscular dystrophy 1A; Congenital Muscular Dystrophy Type 1A (MDC1A). Identifiers: Orphanet 258, MedGen C1263858, MONDO:0011925, OMIM 607855.
LAMA2-related muscular dystrophy (LAMA2-RD). Also called: Laminin alpha 2-related dystrophy. Identifiers: MedGen C5679788, MONDO:0100228.

Allele frequency attached by ClinVar (database versions not stated): TOPMed below 0.00001; gnomAD 0.00001; gnomAD exomes 0.00001.
gnomAD v4.1: 4 of 1,612,712 alleles (0.00025%); highest among the groups gnomAD compares: Non-Finnish European, 0.000085%; no homozygotes.

Submissions (2):

Baylor Genetics
Classification: Likely pathogenic for Merosin deficient congenital muscular dystrophy. Last evaluated: 2023-05-17. Review status: criteria provided, single submitter. Criteria: ACMG Guidelines, 2015. Collection method: clinical testing. Allele origin: unknown.

Labcorp Genetics (formerly Invitae), Labcorp
Classification: Likely pathogenic for LAMA2-related muscular dystrophy. Last evaluated: 2022-02-21. Review status: criteria provided, single submitter. Criteria: Invitae Variant Classification Sherloc (09022015). Collection method: clinical testing. Allele origin: germline.
Comment: In summary, the currently available evidence indicates that the variant is pathogenic, but additional data are needed to prove that conclusively. Therefore, this variant has been classified as Likely Pathogenic. Algorithms developed to predict the effect of sequence changes on RNA splicing suggest that this variant may disrupt the consensus splice site. ClinVar contains an entry for this variant (Variation ID: 951228). This variant has not been reported in the literature in individuals affected with LAMA2-related conditions. This variant is present in population databases (no rsID available, gnomAD 0.02%). This sequence change affects an acceptor splice site in intron 16 of the LAMA2 gene. It is expected to disrupt RNA splicing. Variants that disrupt the donor or acceptor splice site typically lead to a loss of protein function (PMID: 16199547), and loss-of-function variants in LAMA2 are known to be pathogenic (PMID: 18700894, 32904964).

Literature cited by the submitters: PubMed 16199547 (cited by Labcorp Genetics (formerly Invitae), Labcorp); PubMed 18700894 (cited by Labcorp Genetics (formerly Invitae), Labcorp); PubMed 32904964 (cited by Labcorp Genetics (formerly Invitae), Labcorp).